The following is an entry in ClinVar:

NM_007294.4(BRCA1):c.2917_2920del (p.Leu973fs)

Gene: BRCA1 (BRCA1 DNA repair associated; minus strand). Cytogenetic location: 17q21.31.
Variant type: Deletion.
Coding change: c.2917_2920del on transcript NM_007294.4 (MANE Select); coding-DNA positions 2917 to 2920, 4 bases deleted (CTTT; older notation c.2917_2920delCTTT).
Protein change: p.Leu973fs; shifts the reading frame from leucine 973.
Molecular consequence: frameshift variant. On other transcripts: intron variant (137).
Genome position (GRCh38, 1-based): chr17:43,092,611-43,092,614, AAAG deleted on the plus strand (CTTT on the coding strand, the reverse complement: BRCA1 is on the minus strand). VCF-style (leftmost placement, unchanged base first): chr17-43092610-AAAAG-A. GRCh37 (hg19) VCF-style: chr17-41244627-AAAAG-A.
Other names: 3036delCTTT; c.2704_2707del, p.Leu902fs (NM_001407571.1, NM_001407853.1, NM_001407894.1 and 9 more transcripts); c.2917_2920del, p.Leu973fs (NM_001407581.1, NM_001407582.1, NM_001407583.1 and 30 more transcripts); c.2914_2917del, p.Leu972fs (NM_001407587.1, NM_001407590.1, NM_001407591.1 and 22 more transcripts); c.2908_2911del, p.Leu970fs (NM_001407646.1, NM_001407647.1); c.2794_2797del, p.Leu932fs (NM_001407648.1, NM_001407666.1, NM_001407667.1 and 19 more transcripts); c.2791_2794del, p.Leu931fs (NM_001407649.1, NM_001407670.1, NM_001407671.1 and 11 more transcripts); c.2839_2842del, p.Leu947fs (NM_001407653.1, NM_001407654.1, NM_001407655.1 and 4 more transcripts); and 43 more; short protein forms L926fs, L973fs, L846fs, L972fs, L845fs, L885fs, L902fs, L905fs.
Identifiers: ClinVar variation 266320 (VCV000266320.4), dbSNP rs886040086, ClinGen allele CA10589796.
Genomic context (GRCh38, chr17:43,092,610, plus strand): 5'-CATTTAGTTTTAACAAATGACTTGATGGGAAAAAGTGGTGGTATACGATATGGGTTTTGT[AAAAG>A]TCCATGTTTATTTGGAGTAATGAGTCCAGTTTCGTTGCCTCTGAACTGAGATGATAGACA-3'

ClinVar aggregate classification (germline): Pathogenic (3 of 4 stars; one submission).

Conditions:
Breast-ovarian cancer, familial, susceptibility to, 1 (BROVCA1). Also called: BRCA1 Hereditary Breast and Ovarian Cancer; OVARIAN CANCER, SUSCEPTIBILITY TO. Identifiers: Orphanet 145, MedGen C2676676, MONDO:0011450, OMIM 604370. Disease mechanism: loss of function.

Submission:

Evidence-based Network for the Interpretation of Germline Mutant Alleles (ENIGMA)
Classification: Pathogenic for Breast-ovarian cancer, familial, susceptibility to, 1. Last evaluated: 2016-10-18. Review status: reviewed by expert panel. Criteria: ENIGMA BRCA1/2 Classification Criteria (2015). Collection method: curation. Allele origin: germline.
Comment: Variant allele predicted to encode a truncated non-functional protein.